The following is an entry in ClinVar:

NM_015693.4(INTU):c.2331C>A (p.Asp777Glu)

Genes: INTU (inturned planar cell polarity protein; plus strand), LOC123480930 (P300/CBP strongly-dependent group 1 enhancer GRCh37_chr4:128629462-128630661; plus strand). Cytogenetic location: 4q28.1.
Variant type: single nucleotide variant.
Coding change: c.2331C>A on transcript NM_015693.4 (MANE Select); coding-DNA position 2331, C replaced by A.
Protein change: p.Asp777Glu; replaces aspartic acid 777 with glutamic acid.
Molecular consequence: missense variant.
Genome position (GRCh38, 1-based): chr4:127,708,630, C>A. VCF-style: chr4-127708630-C-A. GRCh37 (hg19) VCF-style: chr4-128629785-C-A.
Other names: short protein forms D777E.
Identifiers: ClinVar variation 4740830 (VCV004740830.1).

ClinVar aggregate classification (germline): Uncertain significance (1 of 4 stars; one submission).

gnomAD v4.1: 1 of 1,596,236 alleles (0.000063%); highest among the groups gnomAD compares: East Asian, 0.0022%; no homozygotes.

Submission:

Labcorp Genetics (formerly Invitae), Labcorp
Classification: Uncertain significance. Last evaluated: 2025-07-27. Review status: criteria provided, single submitter. Criteria: Invitae Variant Classification Sherloc (09022015). Collection method: clinical testing. Allele origin: germline.
Comment: This sequence change replaces aspartic acid, which is acidic and polar, with glutamic acid, which is acidic and polar, at codon 777 of the INTU protein (p.Asp777Glu). This variant is not present in population databases (gnomAD no frequency). This variant has not been reported in the literature in individuals affected with INTU-related conditions. Invitae Evidence Modeling of protein sequence and biophysical properties (such as structural, functional, and spatial information, amino acid conservation, physicochemical variation, residue mobility, and thermodynamic stability) indicates that this missense variant is not expected to disrupt INTU protein function with a negative predictive value of 80%. In summary, the available evidence is currently insufficient to determine the role of this variant in disease. Therefore, it has been classified as a Variant of Uncertain Significance.